The following is an entry in ClinVar:

ClinVar aggregate classification (germline): Pathogenic (1 of 4 stars; one submission).

Conditions:
Pontocerebellar hypoplasia type 1A (PCH1A). Also called: PONTOCEREBELLAR HYPOPLASIA WITH ANTERIOR HORN CELL DISEASE; PONTOCEREBELLAR HYPOPLASIA WITH INFANTILE SPINAL MUSCULAR ATROPHY. Identifiers: Orphanet 2254, Orphanet 88616, MedGen C1843504, MONDO:0011866, OMIM 607596.

Submission:

Labcorp Genetics (formerly Invitae), Labcorp
Classification: Pathogenic for Pontocerebellar hypoplasia type 1A. Last evaluated: 2021-10-27. Review status: criteria provided, single submitter. Criteria: Invitae Variant Classification Sherloc (09022015). Collection method: clinical testing. Allele origin: germline.
Comment: This sequence change creates a premature translational stop signal (p.Lys218*) in the VRK1 gene. It is expected to result in an absent or disrupted protein product. Loss-of-function variants in VRK1 are known to be pathogenic (PMID: 19646678, 24126608, 27281532). This variant is not present in population databases (gnomAD no frequency). This variant has not been reported in the literature in individuals affected with VRK1-related conditions. For these reasons, this variant has been classified as Pathogenic.

Literature cited by the submitters: PubMed 19646678; PubMed 24126608; PubMed 27281532.

NM_003384.3(VRK1):c.652A>T (p.Lys218Ter)

Gene: VRK1 (VRK serine/threonine kinase 1; plus strand). Cytogenetic location: 14q32.2.
Variant type: single nucleotide variant.
Coding change: c.652A>T on transcript NM_003384.3 (MANE Select); coding-DNA position 652, A replaced by T.
Protein change: p.Lys218Ter; replaces lysine 218 with a stop codon.
Molecular consequence: nonsense.
Genome position (GRCh38, 1-based): chr14:96,855,299, A>T. VCF-style: chr14-96855299-A-T. GRCh37 (hg19) VCF-style: chr14-97321636-A-T.
Other names: short protein forms K218*.
Identifiers: ClinVar variation 1456740 (VCV001456740.7), dbSNP rs2139801958, ClinGen allele CA390931166.